The following is an entry in ClinVar:

ClinVar aggregate classification (germline): Uncertain significance. Review status: criteria provided, multiple submitters, no conflicts (2 of 4 stars). 2 submissions from 2 submitters: Uncertain significance (2). Last evaluated 2025-05-11.

Conditions:
Ehlers-Danlos syndrome, type 4 (EDSVASC). Also called: Ehlers-Danlos syndrome vascular type; Ehlers Danlos syndrome, ecchymotic type; Ehlers Danlos syndrome, arterial type; Ehlers Danlos syndrome, Sack-Barabas type; Ehlers-Danlos Syndrome Type IV. Identifiers: Orphanet 286, MedGen C0268338, MONDO:0017314, OMIM 130050.

gnomAD v4.1: 2 of 1,613,642 alleles (0.00012%); highest among the groups gnomAD compares: Non-Finnish European, 0.00017%; no homozygotes.

Submissions (2):

Labcorp Genetics (formerly Invitae), Labcorp
Classification: Uncertain significance for Ehlers-Danlos syndrome, type 4. Last evaluated: 2025-05-11. Review status: criteria provided, single submitter. Criteria: Invitae Variant Classification Sherloc (09022015). Collection method: clinical testing. Allele origin: germline.
Comment: This sequence change replaces glutamine, which is neutral and polar, with proline, which is neutral and non-polar, at codon 25 of the COL3A1 protein (p.Gln25Pro). This variant is present in population databases (rs748787122, gnomAD 0.0009%). This variant has not been reported in the literature in individuals affected with COL3A1-related conditions. Invitae Evidence Modeling of protein sequence and biophysical properties (such as structural, functional, and spatial information, amino acid conservation, physicochemical variation, residue mobility, and thermodynamic stability) indicates that this missense variant is not expected to disrupt COL3A1 protein function with a negative predictive value of 95%. In summary, the available evidence is currently insufficient to determine the role of this variant in disease. Therefore, it has been classified as a Variant of Uncertain Significance.

Mayo Clinic Laboratories, Mayo Clinic
Classification: Uncertain significance. Last evaluated: 2025-05-04. Review status: criteria provided, single submitter. Criteria: ACMG Guidelines, 2015. Collection method: clinical testing. Allele origin: germline. Observed: 1 variant allele.
Comment: PP2

NM_000090.4(COL3A1):c.74A>C (p.Gln25Pro)

Gene: COL3A1 (collagen type III alpha 1 chain; plus strand). Cytogenetic location: 2q32.2.
Variant type: single nucleotide variant.
Coding change: c.74A>C on transcript NM_000090.4 (MANE Select); coding-DNA position 74, A replaced by C.
Protein change: p.Gln25Pro; replaces glutamine 25 with proline.
Molecular consequence: missense variant.
Genome position (GRCh38, 1-based): chr2:188,974,563, A>C. VCF-style: chr2-188974563-A-C. GRCh37 (hg19) VCF-style: chr2-189839289-A-C.
Other names: p.Gln25Pro; short protein forms Q25P.
Identifiers: ClinVar variation 4540775 (VCV004540775.2).